The following is an entry in ClinVar:

NM_001130823.3(DNMT1):c.3262G>A (p.Val1088Ile)

Gene: DNMT1 (DNA methyltransferase 1; minus strand). Cytogenetic location: 19p13.2.
Variant type: single nucleotide variant.
Coding change: c.3262G>A on transcript NM_001130823.3 (MANE Select); coding-DNA position 3262, G replaced by A.
Protein change: p.Val1088Ile; replaces valine 1088 with isoleucine.
Molecular consequence: missense variant.
Genome position (GRCh38, 1-based): chr19:10,142,075, C>T on the plus strand (G>A on the coding strand, the complement: DNMT1 is on the minus strand). VCF-style: chr19-10142075-C-T. GRCh37 (hg19) VCF-style: chr19-10252751-C-T.
Other names: c.3262G>A (LRG_362t1, NM_001130823.2); c.3214G>A, p.Val1072Ile (NM_001318730.2, NM_001379.4); c.2899G>A, p.Val967Ile (NM_001318731.2); short protein forms V1088I, V1072I, V967I.
Identifiers: ClinVar variation 472269 (VCV000472269.20), dbSNP rs776461147, ClinGen allele CA9187800.
Genomic context (GRCh38, chr19:10,142,075, plus strand): 5'-GCAGGGGCACCACCTCGAGGAAGTAGAAGCGGTTGGGGCCGCCCATGGAGTACACCTGGA[C>T]GCACTCGGGCAGGTCCTCCCCATACTCCACGGTGCAGCGGCCCTGCACAGCCTTGAAGTC-3'
Protein context (NP_001124295.1, residues 1078-1098): VEYGEDLPEC[Val1088Ile]QVYSMGGPNR

ClinVar aggregate classification (germline): Conflicting classifications of pathogenicity. Review status: criteria provided, conflicting classifications (1 of 4 stars). 4 submissions from 4 submitters: Uncertain significance (1); Likely benign (3). Last evaluated 2025-12-01.

Conditions:
DNMT1-related disorder. Also called: DNMT1-related condition. Identifiers: MedGen CN381527.
Inborn genetic diseases. Identifiers: MedGen C0950123, MeSH D030342.
Hereditary sensory neuropathy-deafness-dementia syndrome. Also called: Hereditary Sensory and Autonomic Neuropathy Type 1E (HSAN1E); HSN IE; Hereditary sensory neuropathy type IE; NEUROPATHY, HEREDITARY SENSORY, WITH HEARING LOSS AND DEMENTIA. Identifiers: Orphanet 456318, MedGen C3279885, MONDO:0013584, OMIM 614116.
Autosomal dominant cerebellar ataxia, deafness and narcolepsy. Also called: Autosomal Dominant Cerebellar Ataxia, Deafness, and Narcolepsy (ADCA-DN). Identifiers: Orphanet 314404, MedGen C4302668, MONDO:0011397, OMIM 604121.

Allele frequency attached by ClinVar (database versions not stated): gnomAD 0.00006; TOPMed 0.00010.
gnomAD v4.1: 200 of 1,611,146 alleles (0.012%); highest among the groups gnomAD compares: Non-Finnish European, 0.016%; no homozygotes.

Submissions (4):

Labcorp Genetics (formerly Invitae), Labcorp
Classification: Uncertain significance for Hereditary sensory neuropathy-deafness-dementia syndrome. Last evaluated: 2025-12-01. Review status: criteria provided, single submitter. Criteria: Invitae Variant Classification Sherloc (09022015). Collection method: clinical testing. Allele origin: germline.
Comment: This sequence change replaces valine, which is neutral and non-polar, with isoleucine, which is neutral and non-polar, at codon 1088 of the DNMT1 protein (p.Val1088Ile). This variant is present in population databases (rs776461147, gnomAD 0.01%), and has an allele count higher than expected for a pathogenic variant. This variant has not been reported in the literature in individuals affected with DNMT1-related conditions. ClinVar contains an entry for this variant (Variation ID: 472269). Invitae Evidence Modeling of protein sequence and biophysical properties (such as structural, functional, and spatial information, amino acid conservation, physicochemical variation, residue mobility, and thermodynamic stability) indicates that this missense variant is not expected to disrupt DNMT1 protein function with a negative predictive value of 80%. In summary, the available evidence is currently insufficient to determine the role of this variant in disease. Therefore, it has been classified as a Variant of Uncertain Significance.

PreventionGenetics, part of Exact Sciences
Classification: Likely benign for DNMT1-related condition. Last evaluated: 2025-03-26. Review status: criteria provided, single submitter. Criteria: ACMG Guidelines, 2015. Collection method: clinical testing. Allele origin: germline.
Comment: This variant is classified as likely benign based on ACMG/AMP sequence variant interpretation guidelines (Richards et al. 2015 PMID: 25741868, with internal and published modifications).

Ambry Genetics
Classification: Likely benign for Inborn genetic diseases. Last evaluated: 2020-09-14. Review status: criteria provided, single submitter. Criteria: Ambry Variant Classification Scheme 2023. Collection method: clinical testing. Allele origin: germline.

GeneDx
Classification: Likely benign. Last evaluated: 2019-06-19. Review status: criteria provided, single submitter. Criteria: GeneDx Variant Classification Process June 2021. Collection method: clinical testing. Allele origin: germline. Affected: yes.